The following is an entry in ClinVar:

NM_004329.3(BMPR1A):c.553A>T (p.Ser185Cys)

Gene: BMPR1A (bone morphogenetic protein receptor type 1A; plus strand). Cytogenetic location: 10q23.2.
Variant type: single nucleotide variant.
Coding change: c.553A>T on transcript NM_004329.3 (MANE Select); coding-DNA position 553, A replaced by T.
Protein change: p.Ser185Cys; replaces serine 185 with cysteine.
Molecular consequence: missense variant.
Genome position (GRCh38, 1-based): chr10:86,912,262, A>T. VCF-style: chr10-86912262-A-T. GRCh37 (hg19) VCF-style: chr10-88672019-A-T.
Other names: short protein forms S185C.
Identifiers: ClinVar variation 482861 (VCV000482861.5), dbSNP rs1554890203, ClinGen allele CA377454263.

ClinVar aggregate classification (germline): Uncertain significance (1 of 4 stars; one submission).

Conditions:
Hereditary cancer-predisposing syndrome. Also called: Neoplastic Syndromes, Hereditary; Tumor predisposition; Hereditary Cancer Syndrome; Hereditary neoplastic syndrome. Identifiers: Orphanet 140162, MedGen C0027672, MeSH D009386, MONDO:0015356.

Submission:

Ambry Genetics
Classification: Uncertain significance for Hereditary cancer-predisposing syndrome. Last evaluated: 2016-03-17. Review status: criteria provided, single submitter. Criteria: Ambry Variant Classification Scheme 2023. Collection method: clinical testing. Allele origin: germline.
Comment: The p.S185C variant (also known as c.553A>T), located in coding exon 6 of the BMPR1A gene, results from an A to T substitution at nucleotide position 553. The serine at codon 185 is replaced by cysteine, an amino acid with dissimilar properties. This variant was not reported in population based cohorts in the following databases: Database of Single Nucleotide Polymorphisms (dbSNP), NHLBI Exome Sequencing Project (ESP), and 1000 Genomes Project. In the ESP, this variant was not observed in 6503 samples (13006 alleles) with coverage at this position. To date, this alteration has been detected with an allele frequency of approximately 0.002% (greater than 65000 alleles tested) in our clinical cohort. This amino acid position is not well conserved in available vertebrate species. In addition, this alteration is predicted to be tolerated by in silico analysis. Since supporting evidence is limited at this time, the clinical significance of this alteration remains unclear.